The following is an entry in ClinVar:

NM_003632.3(CNTNAP1):c.170-6C>G

Genes: CNTNAP1 (contactin associated protein 1; plus strand), LOC125177481 (Sharpr-MPRA regulatory region 245; plus strand). Cytogenetic location: 17q21.2.
Variant type: single nucleotide variant.
Coding change: c.170-6C>G on transcript NM_003632.3 (MANE Select); 6 bases into the intron before coding-DNA position 170, C replaced by G.
Molecular consequence: intron variant.
Genome position (GRCh38, 1-based): chr17:42,684,030, C>G. VCF-style: chr17-42684030-C-G. GRCh37 (hg19) VCF-style: chr17-40836048-C-G.
Other names: c.170-6C>G (NM_003632.2).
Identifiers: ClinVar variation 1703341 (VCV001703341.10), dbSNP rs369648544, ClinGen allele CA8581457.

ClinVar aggregate classification (germline): Likely benign. Review status: criteria provided, multiple submitters, no conflicts (2 of 4 stars). 3 submissions from 3 submitters: Likely benign (2). 1 of the submissions does not count toward it. Last evaluated 2023-08-01.

Conditions:
CNTNAP1-related disorder. Also called: CNTNAP1-related condition; CNTNAP1-related disease.

Allele frequency attached by ClinVar (database versions not stated): ESP Exome Variant Server 0.00008; gnomAD exomes below 0.00001; ExAC 0.00001.
gnomAD v4.1: 14 of 1,613,922 alleles (0.00087%); highest among the groups gnomAD compares: African/African-American, 0.016%; no homozygotes.

Submissions (3):

GeneDx
Classification: Likely benign. Last evaluated: 2023-08-01. Review status: criteria provided, single submitter. Criteria: GeneDx Variant Classification Process June 2021. Collection method: clinical testing. Allele origin: germline.
Comment: In silico analysis supports that this variant does not alter splicing; Nucleotide substitution has no predicted effect on splicing and is not conserved across species; Has not been previously published as pathogenic or benign to our knowledge

Labcorp Genetics (formerly Invitae), Labcorp
Classification: Likely benign. Last evaluated: 2022-09-27. Review status: criteria provided, single submitter. Criteria: Invitae Variant Classification Sherloc (09022015). Collection method: clinical testing. Allele origin: germline.

PreventionGenetics, part of Exact Sciences
Classification: Likely benign for CNTNAP1-related condition. Last evaluated: 2021-09-09. Review status: no assertion criteria provided. Collection method: clinical testing. Allele origin: germline. Not counted in ClinVar's aggregate classification.
Comment: This variant is classified as likely benign based on ACMG/AMP sequence variant interpretation guidelines (Richards et al. 2015 PMID: 25741868, with internal and published modifications).